The following is an entry in ClinVar:

NM_005859.5(PURA):c.248del (p.Gly83fs)

Gene: PURA (purine rich element binding protein A; plus strand). Cytogenetic location: 5q31.3.
Variant type: Deletion.
Coding change: c.248del on transcript NM_005859.5 (MANE Select); coding-DNA position 248, one base deleted (G; older notation c.248delG).
Protein change: p.Gly83fs; shifts the reading frame from glycine 83.
Molecular consequence: frameshift variant.
Genome position (GRCh38, 1-based): chr5:140,114,429, G deleted; the last of 3 consecutive G bases (chr5:140,114,427-140,114,429); deleting any one gives the same sequence. VCF-style (leftmost placement, unchanged base first): chr5-140114426-AG-A. GRCh37 (hg19) VCF-style: chr5-139494011-AG-A.
Other names: short protein forms G83fs.
Identifiers: ClinVar variation 423410 (VCV000423410.2), dbSNP rs1064796409, ClinGen allele CA16618123.

ClinVar aggregate classification (germline): Likely pathogenic (1 of 4 stars; one submission).

Submission:

GeneDx
Classification: Likely pathogenic. Last evaluated: 2017-02-15. Review status: criteria provided, single submitter. Criteria: GeneDx Variant Classification (06012015). Collection method: clinical testing. Allele origin: germline. Affected: yes.
Comment: The c.248delG variant in the PURA gene has not been reported previously as a pathogenic variant nor as a benign variant, to our knowledge. The c.248delG variant causes a frameshift starting with codon Glycine 83, changes this amino acid to an Alanine residue, and creates a premature Stop codon at position 4 of the new reading frame, denoted p.Gly83AlafsX4. This variant is predicted to cause loss of normal protein function through protein truncation. The c.248delG variant is not observed in large population cohorts (Lek et al., 2016; 1000 Genomes Consortium et al., 2015; Exome Variant Server). We interpret c.248delG as a likely pathogenic variant.